The following is an entry in ClinVar:

ClinVar aggregate classification (germline): Uncertain significance (1 of 4 stars; one submission).

Conditions:
Hermansky-Pudlak syndrome 2 (HPS2). Also called: Platelet defects and oculocutaneous albinism. Identifiers: Orphanet 183678, Orphanet 79430, MedGen C1842362, MONDO:0011997, OMIM 608233.

gnomAD v4.1: 3 of 1,613,916 alleles (0.00019%); highest among the groups gnomAD compares: East Asian, 0.0022%; no homozygotes.

Submission:

Labcorp Genetics (formerly Invitae), Labcorp
Classification: Uncertain significance for Hermansky-Pudlak syndrome 2. Last evaluated: 2024-10-16. Review status: criteria provided, single submitter. Criteria: Invitae Variant Classification Sherloc (09022015). Collection method: clinical testing. Allele origin: germline.
Comment: This sequence change replaces asparagine, which is neutral and polar, with serine, which is neutral and polar, at codon 1031 of the AP3B1 protein (p.Asn1031Ser). This variant is present in population databases (rs764601104, gnomAD 0.006%). This variant has not been reported in the literature in individuals affected with AP3B1-related conditions. An algorithm developed to predict the effect of missense changes on protein structure and function (PolyPhen-2) suggests that this variant is likely to be tolerated. In summary, the available evidence is currently insufficient to determine the role of this variant in disease. Therefore, it has been classified as a Variant of Uncertain Significance.

NM_003664.5(AP3B1):c.3092A>G (p.Asn1031Ser)

Gene: AP3B1 (adaptor related protein complex 3 subunit beta 1; minus strand). Cytogenetic location: 5q14.1.
Variant type: single nucleotide variant.
Coding change: c.3092A>G on transcript NM_003664.5 (MANE Select); coding-DNA position 3092, A replaced by G.
Protein change: p.Asn1031Ser; replaces asparagine 1031 with serine.
Molecular consequence: missense variant.
Genome position (GRCh38, 1-based): chr5:78,015,449, T>C on the plus strand (A>G on the coding strand, the complement: AP3B1 is on the minus strand). VCF-style: chr5-78015449-T-C. GRCh37 (hg19) VCF-style: chr5-77311273-T-C.
Other names: c.2945A>G, p.Asn982Ser (NM_001271769.2); short protein forms N1031S, N982S.
Identifiers: ClinVar variation 3612602 (VCV003612602.2).